The following is an entry in ClinVar:

ClinVar aggregate classification (germline): Benign. Review status: criteria provided, multiple submitters, no conflicts (2 of 4 stars). 3 submissions from 3 submitters: Benign (2). 1 of the submissions does not count toward it. Last evaluated 2026-01-09.

Conditions:
PITRM1-related disorder. Also called: PITRM1-related condition.

Allele frequency attached by ClinVar (database versions not stated): 1000 Genomes Project 0.00280; 1000 Genomes Project 30x 0.00312; ExAC 0.00447; gnomAD 0.00451 and 0.00452; TOPMed 0.00455; gnomAD exomes 0.00474 and 0.00725; ESP Exome Variant Server 0.00489.
gnomAD v4.1: 11,014 of 1,587,106 alleles (0.69%); highest among the groups gnomAD compares: Non-Finnish European, 0.83%; 65 homozygotes.

Submissions (3):

Labcorp Genetics (formerly Invitae), Labcorp
Classification: Benign. Last evaluated: 2026-01-09. Review status: criteria provided, single submitter. Criteria: Invitae Variant Classification Sherloc (09022015). Collection method: clinical testing. Allele origin: germline.

Breakthrough Genomics
Classification: Benign. Review status: criteria provided, single submitter. Criteria: ACMG Guidelines, 2015. Collection method: not provided. Allele origin: germline. Inheritance: Autosomal recessive inheritance. Affected: yes.

PreventionGenetics, part of Exact Sciences
Classification: Benign for PITRM1-related condition. Last evaluated: 2020-02-07. Review status: no assertion criteria provided. Collection method: clinical testing. Allele origin: germline. Not counted in ClinVar's aggregate classification.
Comment: This variant is classified as benign based on ACMG/AMP sequence variant interpretation guidelines (Richards et al. 2015 PMID: 25741868, with internal and published modifications).

NM_014889.4(PITRM1):c.791+9T>G

Gene: PITRM1 (pitrilysin metallopeptidase 1; minus strand). Cytogenetic location: 10p15.2.
Variant type: single nucleotide variant.
Coding change: c.791+9T>G on transcript NM_014889.4 (MANE Select); 9 bases into the intron after coding-DNA position 791, T replaced by G.
Molecular consequence: intron variant.
Genome position (GRCh38, 1-based): chr10:3,163,716, A>C on the plus strand (T>G on the coding strand, the complement: PITRM1 is on the minus strand). VCF-style: chr10-3163716-A-C. GRCh37 (hg19) VCF-style: chr10-3205908-A-C.
Other names: c.695+9T>G (NM_001242309.1); c.767+9T>G (NM_001347730.1, NM_001347729.1); c.176+9T>G (NM_001347726.2, NM_001347727.2); c.-510+9T>G (NM_001347728.2); c.791+9T>G (NM_001347725.2, NM_001242307.2, NM_001242307.1).
Identifiers: ClinVar variation 791629 (VCV000791629.13), dbSNP rs145778387, ClinGen allele CA5388084.
Genomic context (GRCh38, chr10:3,163,716, plus strand): 5'-AAACTGTTAAGAACACAAACAAGTCAACTTTTCACAATCCACCATCAAACTTTTCCAACA[A>C]AATATTACCTAGCATTGCTTGGGTGATAGTGAGTGGCATGAAACTGCTTAAGCTGCTCCC-3'